The following is an entry in ClinVar:

NM_138694.4(PKHD1):c.10115C>T (p.Pro3372Leu)

Gene: PKHD1 (PKHD1 ciliary IPT domain containing fibrocystin/polyductin; minus strand). Cytogenetic location: 6p12.3.
Variant type: single nucleotide variant.
Coding change: c.10115C>T on transcript NM_138694.4 (MANE Select); coding-DNA position 10115, C replaced by T.
Protein change: p.Pro3372Leu; replaces proline 3372 with leucine.
Molecular consequence: missense variant.
Genome position (GRCh38, 1-based): chr6:51,744,426, G>A on the plus strand (C>T on the coding strand, the complement: PKHD1 is on the minus strand). VCF-style: chr6-51744426-G-A. GRCh37 (hg19) VCF-style: chr6-51609224-G-A.
Other names: c.10115C>T, p.Pro3372Leu (NM_170724.3); short protein forms P3372L.
Identifiers: ClinVar variation 5004900 (VCV005004900.1).
Genomic context (GRCh38, chr6:51,744,426, plus strand): 5'-GCATTCAGATATAGCTTACCTGCGTTGAAGAAGGATGCAGTCCATTCTGCCTCTGTTTTA[G>A]GAAATACAGAAACTGGTGGAGGCAGACCCAGGGCTCTCCCATCCAGATCCTTGAAGAGAT-3'
Protein context (NP_619639.3, residues 3362-3382): LGLPPPVSVF[Pro3372Leu]KTEAEWTASF

ClinVar aggregate classification (germline): Uncertain significance (1 of 4 stars; one submission).

Conditions:
Polycystic kidney disease 4 (PKD4). Also called: PKD3; POLYCYSTIC KIDNEY AND HEPATIC DISEASE 1; POLYCYSTIC KIDNEY DISEASE, INFANTILE, TYPE I; POLYCYSTIC KIDNEY DISEASE 4 WITH OR WITHOUT POLYCYSTIC LIVER DISEASE; Autosomal Recessive Polycystic Kidney Disease – PKHD1. Identifiers: MedGen C4540575, MONDO:0033004, OMIM 263200.

gnomAD v4.1: 5 of 1,613,700 alleles (0.00031%); highest among the groups gnomAD compares: Middle Eastern, 0.033%; no homozygotes.

Submission:

Myriad Genetics, Inc.
Classification: Uncertain significance for Polycystic kidney disease 4. Last evaluated: 2026-04-30. Review status: criteria provided, single submitter. Criteria: Myriad Autosomal Dominant, Autosomal Recessive and X-Linked Classification Criteria (2023). Collection method: clinical testing. Allele origin: unknown.
Comment: NM_138694.3(PKHD1):c.10115C>T(P3372L) is a missense variant classified as a variant of uncertain significance in the context of autosomal recessive polycystic kidney disease, PKHD1-related. P3372L has been observed in a case with relevant disease (PMID: 39473742). Relevant functional assessments of this variant are not available in the literature. P3372L has been observed in referenced population frequency databases. In summary, there is insufficient evidence to classify NM_138694.3(PKHD1):c.10115C>T(P3372L) as pathogenic or benign. Please note: this variant was assessed in the context of healthy population screening.

Literature cited by the submitters: PubMed 39473742.